The following is an entry in ClinVar:

ClinVar aggregate classification (germline): Conflicting classifications of pathogenicity. Review status: criteria provided, conflicting classifications (1 of 4 stars). 2 submissions from 2 submitters: Uncertain significance (1); Likely benign (1). Last evaluated 2023-03-23.

Conditions:
Hereditary cancer-predisposing syndrome. Also called: Hereditary Cancer Syndrome; Hereditary neoplastic syndrome; Tumor predisposition; Neoplastic Syndromes, Hereditary. Identifiers: Orphanet 140162, MedGen C0027672, MeSH D009386, MONDO:0015356.
Hereditary breast ovarian cancer syndrome. Also called: Hereditary breast and ovarian cancer; Hereditary breast and ovarian cancer syndrome; Breast and ovarian cancer; BRCA1- and BRCA2-Associated Hereditary Breast and Ovarian Cancer; Hereditary breast and ovarian cancer syndrome (HBOC); Hereditary breast and/or ovarian cancer syndrome. Identifiers: Orphanet 145, MedGen C0677776, MeSH D061325, MONDO:0003582. Disease mechanism: loss of function.

Submissions (2):

University of Washington Department of Laboratory Medicine, University of Washington
Classification: Likely benign for Hereditary cancer-predisposing syndrome. Last evaluated: 2023-03-23. Review status: criteria provided, single submitter. Criteria: Dines et al. (Genet Med. 2020). Collection method: curation. Allele origin: germline.
Comment: Missense variant in a coldspot region where missense variants are very unlikely to be pathogenic (PMID:31911673).

BRCA1 coldspot (exon 11 using historical exon numbering). Reclassification based on statistical prior probability

Labcorp Genetics (formerly Invitae), Labcorp
Classification: Uncertain significance for Hereditary breast ovarian cancer syndrome. Last evaluated: 2021-05-20. Review status: criteria provided, single submitter. Criteria: Invitae Variant Classification Sherloc (09022015). Collection method: clinical testing. Allele origin: germline.
Comment: In summary, the available evidence is currently insufficient to determine the role of this variant in disease. Therefore, it has been classified as a Variant of Uncertain Significance. Advanced modeling of protein sequence and biophysical properties (such as structural, functional, and spatial information, amino acid conservation, physicochemical variation, residue mobility, and thermodynamic stability) performed at Invitae indicates that this missense variant is not expected to disrupt BRCA1 protein function. This variant has not been reported in the literature in individuals with BRCA1-related conditions. This sequence change replaces methionine with isoleucine at codon 531 of the BRCA1 protein (p.Met531Ile). The methionine residue is weakly conserved and there is a small physicochemical difference between methionine and isoleucine. This variant is not present in population databases (ExAC no frequency).

NM_007294.4(BRCA1):c.1593G>T (p.Met531Ile)

Gene: BRCA1 (BRCA1 DNA repair associated; minus strand). Cytogenetic location: 17q21.31.
Variant type: single nucleotide variant.
Coding change: c.1593G>T on transcript NM_007294.4 (MANE Select); coding-DNA position 1593, G replaced by T.
Protein change: p.Met531Ile; replaces methionine 531 with isoleucine.
Molecular consequence: missense variant. On other transcripts: intron variant (137).
Genome position (GRCh38, 1-based): chr17:43,093,938, C>A on the plus strand (G>T on the coding strand, the complement: BRCA1 is on the minus strand). VCF-style: chr17-43093938-C-A. GRCh37 (hg19) VCF-style: chr17-41245955-C-A.
Other names: c.1380G>T, p.Met460Ile (NM_001407571.1, NM_001407853.1, NM_001407894.1 and 9 more transcripts); c.1593G>T, p.Met531Ile (NM_001407581.1, NM_001407582.1, NM_001407583.1 and 30 more transcripts); c.1590G>T, p.Met530Ile (NM_001407587.1, NM_001407590.1, NM_001407591.1 and 22 more transcripts); c.1584G>T, p.Met528Ile (NM_001407646.1, NM_001407647.1); c.1470G>T, p.Met490Ile (NM_001407648.1, NM_001407664.1, NM_001407665.1 and 19 more transcripts); c.1467G>T, p.Met489Ile (NM_001407649.1, NM_001407670.1, NM_001407671.1 and 11 more transcripts); c.1515G>T, p.Met505Ile (NM_001407653.1, NM_001407654.1, NM_001407655.1 and 4 more transcripts); c.1512G>T, p.Met504Ile (NM_001407659.1, NM_001407660.1, NM_001407661.1 and 1 more transcripts); and 40 more; short protein forms M484I, M531I, M235I, M489I, M528I, M404I, M420I, M442I.
Identifiers: ClinVar variation 1396909 (VCV001396909.11), dbSNP rs2154434764, ClinGen allele CA10598857.